The following is an entry in ClinVar:

ClinVar aggregate classification (germline): Likely pathogenic (1 of 4 stars; one submission).

Conditions:
Metachromatic leukodystrophy (MLD). Also called: CEREBROSIDE SULFATASE DEFICIENCY; ARSA DEFICIENCY; METACHROMATIC LEUKOENCEPHALOPATHY; SULFATIDE LIPIDOSIS; Cerebral sclerosis diffuse metachromatic form; Arylsulfatase A Deficiency. Identifiers: Orphanet 512, MedGen C0023522, MONDO:0018868, OMIM 250100.

Submission:

Labcorp Genetics (formerly Invitae), Labcorp
Classification: Likely pathogenic for Metachromatic leukodystrophy. Last evaluated: 2023-09-28. Review status: criteria provided, single submitter. Criteria: Invitae Variant Classification Sherloc (09022015). Collection method: clinical testing. Allele origin: germline.
Comment: In summary, the currently available evidence indicates that the variant is pathogenic, but additional data are needed to prove that conclusively. Therefore, this variant has been classified as Likely Pathogenic. This variant disrupts the p.Glu331 amino acid residue in ARSA. Other variant(s) that disrupt this residue have been determined to be pathogenic (PMID: 12809637, 30052522). This suggests that this residue is clinically significant, and that variants that disrupt this residue are likely to be disease-causing. Advanced modeling of protein sequence and biophysical properties (such as structural, functional, and spatial information, amino acid conservation, physicochemical variation, residue mobility, and thermodynamic stability) performed at Invitae indicates that this missense variant is expected to disrupt ARSA protein function. This variant has not been reported in the literature in individuals affected with ARSA-related conditions. This variant is not present in population databases (gnomAD no frequency). This sequence change replaces glutamic acid, which is acidic and polar, with glycine, which is neutral and non-polar, at codon 331 of the ARSA protein (p.Glu331Gly).

Literature cited by the submitters: PubMed 12809637; PubMed 30052522.

NM_000487.6(ARSA):c.992A>G (p.Glu331Gly)

Gene: ARSA (arylsulfatase A; minus strand). Cytogenetic location: 22q13.33.
Variant type: single nucleotide variant.
Coding change: c.992A>G on transcript NM_000487.6 (MANE Select); coding-DNA position 992, A replaced by G.
Protein change: p.Glu331Gly; replaces glutamic acid 331 with glycine.
Molecular consequence: missense variant.
Genome position (GRCh38, 1-based): chr22:50,626,051, T>C on the plus strand (A>G on the coding strand, the complement: ARSA is on the minus strand). VCF-style: chr22-50626051-T-C. GRCh37 (hg19) VCF-style: chr22-51064479-T-C.
Other names: c.992A>G, p.Glu331Gly (NM_001085425.3, NM_001085426.3, NM_001085427.3); c.734A>G, p.Glu245Gly (NM_001085428.3, NM_001362782.2); short protein forms E331G, E245G.
Identifiers: ClinVar variation 2764033 (VCV002764033.3), dbSNP rs2518326252, ClinGen allele CA412172514.